The following is an entry in ClinVar:

ClinVar aggregate classification (germline): Uncertain significance (1 of 4 stars; one submission).

Conditions:
Fanconi anemia (FA). Also called: Fanconi's anemia. Identifiers: Orphanet 84, MedGen C0015625, MeSH D005199, MONDO:0019391.

Allele frequency attached by ClinVar (database versions not stated): gnomAD exomes 0.00001.
gnomAD v4.1: 13 of 1,209,983 alleles (0.0011%); highest among the groups gnomAD compares: Non-Finnish European, 0.0015%; no homozygotes.

Submission:

Labcorp Genetics (formerly Invitae), Labcorp
Classification: Uncertain significance for Fanconi anemia. Last evaluated: 2022-02-21. Review status: criteria provided, single submitter. Criteria: Invitae Variant Classification Sherloc (09022015). Collection method: clinical testing. Allele origin: germline.
Comment: This sequence change replaces alanine, which is neutral and non-polar, with threonine, which is neutral and polar, at codon 653 of the FANCB protein (p.Ala653Thr). This variant is present in population databases (no rsID available, gnomAD 0.001%). This variant has not been reported in the literature in individuals affected with FANCB-related conditions. ClinVar contains an entry for this variant (Variation ID: 950269). Algorithms developed to predict the effect of missense changes on protein structure and function output the following: SIFT: "Tolerated"; PolyPhen-2: "Benign"; Align-GVGD: "Class C0". The threonine amino acid residue is found in multiple mammalian species, which suggests that this missense change does not adversely affect protein function. In summary, the available evidence is currently insufficient to determine the role of this variant in disease. Therefore, it has been classified as a Variant of Uncertain Significance.

NM_001018113.3(FANCB):c.1957G>A (p.Ala653Thr)

Gene: FANCB (FA complementation group B; minus strand). Cytogenetic location: Xp22.2.
Variant type: single nucleotide variant.
Coding change: c.1957G>A on transcript NM_001018113.3 (MANE Select); coding-DNA position 1957, G replaced by A.
Protein change: p.Ala653Thr; replaces alanine 653 with threonine.
Molecular consequence: missense variant.
Genome position (GRCh38, 1-based): chrX:14,844,711, C>T on the plus strand (G>A on the coding strand, the complement: FANCB is on the minus strand). VCF-style: chrX-14844711-C-T. GRCh37 (hg19) VCF-style: chrX-14862833-C-T.
Other names: c.1957G>A, p.Ala653Thr (NM_001324162.2, NM_152633.4); short protein forms A653T.
Identifiers: ClinVar variation 950269 (VCV000950269.7), dbSNP rs1220308530, ClinGen allele CA412439136.